The following is an entry in ClinVar:

NM_021922.3(FANCE):c.1556A>C (p.Asn519Thr)

Gene: FANCE (FA complementation group E; plus strand). Cytogenetic location: 6p21.31.
Variant type: single nucleotide variant.
Coding change: c.1556A>C on transcript NM_021922.3 (MANE Select); coding-DNA position 1556, A replaced by C.
Protein change: p.Asn519Thr; replaces asparagine 519 with threonine.
Molecular consequence: missense variant.
Genome position (GRCh38, 1-based): chr6:35,466,290, A>C. VCF-style: chr6-35466290-A-C. GRCh37 (hg19) VCF-style: chr6-35434067-A-C.
Other names: c.1556A>C (NM_021922.2); short protein forms N519T.
Identifiers: ClinVar variation 1019435 (VCV001019435.7), dbSNP rs373712711, ClinGen allele CA3771755.

ClinVar aggregate classification (germline): Uncertain significance. Review status: criteria provided, multiple submitters, no conflicts (2 of 4 stars). 2 submissions from 2 submitters: Uncertain significance (2). Last evaluated 2025-11-03.

Conditions:
FANCE-related disorder. Also called: FANCE-related condition.
Fanconi anemia complementation group E (FANCE). Also called: FANCE-Related Fanconi Anemia. Identifiers: Orphanet 84, MedGen C3160739, MONDO:0010953, OMIM 600901.

Allele frequency attached by ClinVar (database versions not stated): gnomAD exomes below 0.00001 and 0.00001; TOPMed below 0.00001; ExAC 0.00001; ESP Exome Variant Server 0.00008.
gnomAD v4.1: 10 of 1,614,066 alleles (0.00062%); highest among the groups gnomAD compares: East Asian, 0.0022%; no homozygotes.

Submissions (2):

Labcorp Genetics (formerly Invitae), Labcorp
Classification: Uncertain significance for Fanconi anemia complementation group E. Last evaluated: 2025-11-03. Review status: criteria provided, single submitter. Criteria: Invitae Variant Classification Sherloc (09022015). Collection method: clinical testing. Allele origin: germline.
Comment: This sequence change replaces asparagine, which is neutral and polar, with threonine, which is neutral and polar, at codon 519 of the FANCE protein (p.Asn519Thr). This variant is present in population databases (rs373712711, gnomAD 0.0009%). This variant has not been reported in the literature in individuals affected with FANCE-related conditions. ClinVar contains an entry for this variant (Variation ID: 1019435). Invitae Evidence Modeling of protein sequence and biophysical properties (such as structural, functional, and spatial information, amino acid conservation, physicochemical variation, residue mobility, and thermodynamic stability) indicates that this missense variant is expected to disrupt FANCE protein function with a positive predictive value of 80%. In summary, the available evidence is currently insufficient to determine the role of this variant in disease. Therefore, it has been classified as a Variant of Uncertain Significance.

PreventionGenetics, part of Exact Sciences
Classification: Uncertain significance for FANCE-related condition. Last evaluated: 2023-07-28. Review status: criteria provided, single submitter. Criteria: ACMG Guidelines, 2015. Collection method: clinical testing. Allele origin: germline.
Comment: The FANCE c.1556A>C variant is predicted to result in the amino acid substitution p.Asn519Thr. To our knowledge, this variant has not been reported in the literature. This variant is reported in 0.00088% of alleles in individuals of European (Non-Finnish) descent in gnomAD. At this time, the clinical significance of this variant is uncertain due to the absence of conclusive functional and genetic evidence.